The following is an entry in ClinVar:

NM_017617.5(NOTCH1):c.787G>C (p.Gly263Arg)

Gene: NOTCH1 (notch receptor 1; minus strand). Cytogenetic location: 9q34.3.
Variant type: single nucleotide variant.
Coding change: c.787G>C on transcript NM_017617.5 (MANE Select); coding-DNA position 787, G replaced by C.
Protein change: p.Gly263Arg; replaces glycine 263 with arginine.
Molecular consequence: missense variant.
Genome position (GRCh38, 1-based): chr9:136,519,521, C>G on the plus strand (G>C on the coding strand, the complement: NOTCH1 is on the minus strand). VCF-style: chr9-136519521-C-G. GRCh37 (hg19) VCF-style: chr9-139413973-C-G.
Other names: short protein forms G263R.
Identifiers: ClinVar variation 3635979 (VCV003635979.2).

ClinVar aggregate classification (germline): Uncertain significance (1 of 4 stars; one submission).

Conditions:
Adams-Oliver syndrome 5 (AOS5). Identifiers: Orphanet 974, MedGen C4014970, MONDO:0014459, OMIM 616028.

Submission:

Labcorp Genetics (formerly Invitae), Labcorp
Classification: Uncertain significance for Adams-Oliver syndrome 5. Last evaluated: 2025-01-11. Review status: criteria provided, single submitter. Criteria: Invitae Variant Classification Sherloc (09022015). Collection method: clinical testing. Allele origin: germline.
Comment: This sequence change replaces glycine, which is neutral and non-polar, with arginine, which is basic and polar, at codon 263 of the NOTCH1 protein (p.Gly263Arg). This variant is not present in population databases (gnomAD no frequency). This variant has not been reported in the literature in individuals affected with NOTCH1-related conditions. Invitae Evidence Modeling of protein sequence and biophysical properties (such as structural, functional, and spatial information, amino acid conservation, physicochemical variation, residue mobility, and thermodynamic stability) indicates that this missense variant is not expected to disrupt NOTCH1 protein function with a negative predictive value of 95%. In summary, the available evidence is currently insufficient to determine the role of this variant in disease. Therefore, it has been classified as a Variant of Uncertain Significance.